The following is an entry in ClinVar:

NM_000535.7(PMS2):c.2007-2A>C

Gene: PMS2 (PMS1 homolog 2, mismatch repair system component; minus strand). Cytogenetic location: 7p22.1.
Variant type: single nucleotide variant.
Coding change: c.2007-2A>C on transcript NM_000535.7 (MANE Select); the canonical splice acceptor site of the intron before coding-DNA position 2007, A replaced by C.
Molecular consequence: splice acceptor variant. On other transcripts: intron variant (4).
Genome position (GRCh38, 1-based): chr7:5,982,993, T>G on the plus strand (A>C on the coding strand, the complement: PMS2 is on the minus strand). VCF-style: chr7-5982993-T-G. GRCh37 (hg19) VCF-style: chr7-6022624-T-G.
Other names: c.1689-2A>C (NM_001322008.2, NM_001406883.1, NM_001322007.2 and 1 more transcripts); c.1698-2A>C (NM_001406881.1, NM_001406879.1, NM_001322015.2 and 5 more transcripts); c.1602-2A>C (NM_001406895.1, NM_001322004.2, NM_001406889.1 and 14 more transcripts); c.1236-2A>C (NM_001406911.1); c.1446-2A>C (NM_001322010.2, NM_001406906.1, NM_001406907.1); c.1533-2A>C (NM_001406902.1, NM_001406901.1); c.1494-2A>C (NM_001406904.1, NM_001406905.1); c.1434-2A>C (NM_001322013.2, NM_001406909.1); and 16 more.
Identifiers: ClinVar variation 142251 (VCV000142251.20), dbSNP rs587782336, ClinGen allele CA010693.

ClinVar aggregate classification (germline): Pathogenic. Review status: criteria provided, multiple submitters, no conflicts (2 of 4 stars). 4 submissions from 4 submitters: Pathogenic (4). Last evaluated 2026-01-26.

Conditions:
Hereditary nonpolyposis colorectal neoplasms. Identifiers: MedGen C0009405, MeSH D003123.
Hereditary cancer-predisposing syndrome. Also called: Neoplastic Syndromes, Hereditary; Hereditary Cancer Syndrome; Tumor predisposition; Hereditary neoplastic syndrome. Identifiers: Orphanet 140162, MedGen C0027672, MeSH D009386, MONDO:0015356.
Lynch syndrome 4 (LYNCH4). Also called: Colorectal cancer, hereditary nonpolyposis, type 4; Hereditary non-polyposis colorectal cancer, type 4. Identifiers: Orphanet 144, MedGen C1838333, MONDO:0013699, OMIM 614337. Disease mechanism: loss of function.

Allele frequency attached by ClinVar (database versions not stated): gnomAD exomes 0.00001 and below 0.00001.
gnomAD v4.1: 2 of 1,481,744 alleles (0.00013%); highest among the groups gnomAD compares: Non-Finnish European, 0.00019%; no homozygotes.

Submissions (4):

Labcorp Genetics (formerly Invitae), Labcorp
Classification: Pathogenic for Hereditary nonpolyposis colorectal neoplasms. Last evaluated: 2026-01-26. Review status: criteria provided, single submitter. Criteria: Invitae Variant Classification Sherloc (09022015). Collection method: clinical testing. Allele origin: germline.
Comment: This sequence change affects an acceptor splice site in intron 11 of the PMS2 gene. RNA analysis indicates that disruption of this splice site induces altered splicing and may result in an absent or altered protein product. The frequency data for this variant in the population databases (gnomAD) is considered unreliable due to the presence of homologous sequence, such as pseudogenes or paralogs, in the genome. Disruption of this splice site has been observed in individuals with constitutional mismatch repair deficiency (CMMRD) syndrome or clinical features of PMS2-related conditions (PMID: 24763289, 26318770). ClinVar contains an entry for this variant (Variation ID: 142251). Studies have shown that disruption of this splice site results in activation of a cryptic splice site, and produces a non-functional protein and/or introduces a premature termination codon (internal data). For these reasons, this variant has been classified as Pathogenic.

GeneDx
Classification: Pathogenic. Last evaluated: 2025-11-26. Review status: criteria provided, single submitter. Criteria: GeneDx Variant Classification Process June 2021. Collection method: clinical testing. Allele origin: germline.
Comment: Not observed at significant frequency in large population cohorts (gnomAD); Observed in a patient who underwent hereditary cancer multigene panel testing (PMID: 24763289); Canonical splice site variant predicted to result in an in-frame loss of the adjacent exon in a gene for which loss of function is a known mechanism of disease; This variant is associated with the following publications: (PMID: 26318770, 30013564, 32642664, 37534630, 31992580, 24763289, 11292842)

Myriad Genetics, Inc.
Classification: Pathogenic for Lynch syndrome 4. Last evaluated: 2025-03-14. Review status: criteria provided, single submitter. Criteria: Myriad Autosomal Dominant, Autosomal Recessive and X-Linked Classification Criteria (2023). Collection method: clinical testing. Allele origin: unknown.
Comment: This variant is considered pathogenic. This variant occurs within a consensus splice junction and is predicted to result in abnormal mRNA splicing of either an out-of-frame exon or an in-frame exon necessary for protein stability and/or normal function. This variant has been reported in multiple individuals with clinical features of gene-specific disease [PMID: 26318770, 30013564, 32642664].

Ambry Genetics
Classification: Pathogenic for Hereditary cancer-predisposing syndrome. Last evaluated: 2022-06-17. Review status: criteria provided, single submitter. Criteria: Ambry Variant Classification Scheme 2023. Collection method: clinical testing. Allele origin: germline.
Comment: The c.2007-2A>C intronic pathogenic mutation results from an A to C substitution two nucleotides upstream from coding exon 12 in the PMS2 gene. Another alteration impacting the same acceptor site (c.2007-2A>G) has been detected in the homozygous state in multiple individuals diagnosed with constitutional mismatch repair deficiency (Lavoine N et al. J Med Genet, 2015 Nov;52:770-8). This nucleotide position is highly conserved in available vertebrate species. In silico splice site analysis predicts that this alteration will weaken the native splice acceptor site and will result in the creation or strengthening of a novel splice acceptor site; however, direct evidence is insufficient at this time (Ambry internal data). This variant is considered to be rare based on population cohorts in the Genome Aggregation Database (gnomAD). Alterations that disrupt the canonical splice site are expected to cause aberrant splicing, resulting in an abnormal protein or a transcript that is subject to nonsense-mediated mRNA decay. As such, this alteration is classified as a disease-causing mutation.

Literature cited by the submitters: PubMed 24763289 (cited by Labcorp Genetics (formerly Invitae), Labcorp); PubMed 26318770 (cited by 3 submitters); PubMed 30013564 (cited by Myriad Genetics, Inc.); PubMed 32642664 (cited by Myriad Genetics, Inc.).